The following is an entry in ClinVar:

NM_001298.3(CNGA3):c.674-1G>A

Gene: CNGA3 (cyclic nucleotide gated channel subunit alpha 3; plus strand). Cytogenetic location: 2q11.2.
Variant type: single nucleotide variant.
Coding change: c.674-1G>A on transcript NM_001298.3 (MANE Select); the canonical splice acceptor site of the intron before coding-DNA position 674, G replaced by A.
Molecular consequence: splice acceptor variant.
Genome position (GRCh38, 1-based): chr2:98,395,843, G>A. VCF-style: chr2-98395843-G-A. GRCh37 (hg19) VCF-style: chr2-99012306-G-A.
Other names: c.620-1G>A (NM_001079878.2).
Identifiers: ClinVar variation 1373536 (VCV001373536.7), dbSNP rs949254623, ClinGen allele CA347831895.
Genomic context (GRCh38, chr2:98,395,843, plus strand): 5'-GTACTATGGTCAAAAAAAGTCAGCCTCTGTGATGCCCAATGACCTCCATCTTCTTCTTTA[G>A]GTTTTCTCGAGCAAGGCTTAATGGTCAGTGATACCAACAGGCTGTGGCAGCATTACAAGA-3'

ClinVar aggregate classification (germline): Conflicting classifications of pathogenicity. Review status: criteria provided, conflicting classifications (1 of 4 stars). 2 submissions from 2 submitters: Pathogenic (1); Uncertain significance (1). Last evaluated 2022-07-05.

Conditions:
Achromatopsia 2 (ACHM2). Also called: COLORBLINDNESS, TOTAL; ROD MONOCHROMACY 2; ROD MONOCHROMATISM 2. Identifiers: Orphanet 49382, MedGen C1857618, MONDO:0009003, OMIM 216900.

gnomAD v4.1: 1 of 1,614,084 alleles (0.000062%); highest among the groups gnomAD compares: Non-Finnish European, 0.000085%; no homozygotes.

Submissions (2):

Labcorp Genetics (formerly Invitae), Labcorp
Classification: Uncertain significance. Last evaluated: 2022-07-05. Review status: criteria provided, single submitter. Criteria: Invitae Variant Classification Sherloc (09022015). Collection method: clinical testing. Allele origin: germline.
Comment: In summary, the available evidence is currently insufficient to determine the role of this variant in disease. Therefore, it has been classified as a Variant of Uncertain Significance. Variants that disrupt the consensus splice site are a relatively common cause of aberrant splicing (PMID: 17576681, 9536098). Algorithms developed to predict the effect of sequence changes on RNA splicing suggest that this variant may disrupt the consensus splice site. ClinVar contains an entry for this variant (Variation ID: 1373536). This variant has not been reported in the literature in individuals affected with CNGA3-related conditions. This variant is not present in population databases (gnomAD no frequency). This sequence change affects an acceptor splice site in intron 7 of the CNGA3 gene. While this variant is not anticipated to result in nonsense mediated decay, it likely alters RNA splicing and results in a disrupted protein product.

Mendelics
Classification: Pathogenic for Achromatopsia 2. Last evaluated: 2022-05-04. Review status: criteria provided, single submitter. Criteria: Mendelics Assertion Criteria 2019. Collection method: clinical testing. Allele origin: germline.

Literature cited by the submitters: PubMed 17576681 (cited by Labcorp Genetics (formerly Invitae), Labcorp); PubMed 9536098 (cited by Labcorp Genetics (formerly Invitae), Labcorp).